The following is an entry in ClinVar:

ClinVar aggregate classification (germline): Uncertain significance (1 of 4 stars; one submission).

Conditions:
Combined immunodeficiency due to DOCK8 deficiency (HIES2). Also called: HIES autosomal recessive; Hyper-IgE recurrent infection syndrome, autosomal recessive; HYPER-IgE SYNDROME 2, AUTOSOMAL RECESSIVE, WITH RECURRENT INFECTIONS; DOCK8 Deficiency; HYPER-IgE RECURRENT INFECTION SYNDROME 2, AUTOSOMAL RECESSIVE. Identifiers: Orphanet 217390, MedGen C4722305, MONDO:0009478, OMIM 243700.

Submission:

Labcorp Genetics (formerly Invitae), Labcorp
Classification: Uncertain significance for Combined immunodeficiency due to DOCK8 deficiency. Last evaluated: 2019-04-18. Review status: criteria provided, single submitter. Criteria: Invitae Variant Classification Sherloc (09022015). Collection method: clinical testing. Allele origin: germline.
Comment: This variant has not been reported in the literature in individuals with DOCK8-related conditions. This variant is not present in population databases (ExAC no frequency). This sequence change replaces serine with cysteine at codon 1128 of the DOCK8 protein (p.Ser1128Cys). The serine residue is highly conserved and there is a moderate physicochemical difference between serine and cysteine. Algorithms developed to predict the effect of missense changes on protein structure and function are either unavailable or do not agree on the potential impact of this missense change (SIFT: "Tolerated"; PolyPhen-2: "Probably Damaging"; Align-GVGD: "Class C15"). In summary, the available evidence is currently insufficient to determine the role of this variant in disease. Therefore, it has been classified as a Variant of Uncertain Significance.

NM_203447.4(DOCK8):c.3383C>G (p.Ser1128Cys)

Gene: DOCK8 (dedicator of cytokinesis 8; plus strand). Cytogenetic location: 9p24.3.
Variant type: single nucleotide variant.
Coding change: c.3383C>G on transcript NM_203447.4 (MANE Select); coding-DNA position 3383, C replaced by G.
Protein change: p.Ser1128Cys; replaces serine 1128 with cysteine.
Molecular consequence: missense variant.
Genome position (GRCh38, 1-based): chr9:405,066, C>G. VCF-style: chr9-405066-C-G. GRCh37 (hg19) VCF-style: chr9-405066-C-G.
Other names: c.3083C>G, p.Ser1028Cys (NM_001190458.2); c.3179C>G, p.Ser1060Cys (NM_001193536.2); short protein forms S1060C, S1128C, S1028C.
Identifiers: ClinVar variation 951380 (VCV000951380.10), dbSNP rs751374063, ClinGen allele CA372757961.
Genomic context (GRCh38, chr9:405,066, plus strand): 5'-ATCTGAACCTTTTTTTTATGAATGCTGATACTGCTCCAACATCTCCTTGTCCTTCCATAT[C>G]TTCCCAGGTAATAAAAGAATTATTTAACTAAAAGAATTATTCAAGCTATTTCATTTAACT-3'
Protein context (NP_982272.2, residues 1118-1138): TAPTSPCPSI[Ser1128Cys]SQNSSSCSSF